The following is an entry in ClinVar:

ClinVar aggregate classification (germline): Uncertain significance. Review status: criteria provided, single submitter (1 of 4 stars). 2 submissions from 2 submitters: Uncertain significance (1). 1 of the submissions does not count toward it. Last evaluated 2024-02-01.

Conditions:
HNRNPA1-related disorder. Also called: HNRNPA1-related condition.

Allele frequency attached by ClinVar (database versions not stated): TOPMed below 0.00001; gnomAD exomes 0.00002.

Submissions (2):

CeGaT Center for Human Genetics Tuebingen
Classification: Uncertain significance. Last evaluated: 2024-02-01. Review status: criteria provided, single submitter. Criteria: CeGaT Center For Human Genetics Tuebingen Variant Classification Criteria Version 2. Collection method: clinical testing. Allele origin: germline. Affected: yes. Observed: 1 variant allele.
Comment: HNRNPA1: PM2, BP4

PreventionGenetics, part of Exact Sciences
Classification: Likely benign for HNRNPA1-related condition. Last evaluated: 2023-01-06. Review status: no assertion criteria provided. Collection method: clinical testing. Allele origin: germline. Not counted in ClinVar's aggregate classification.
Comment: This variant is classified as likely benign based on ACMG/AMP sequence variant interpretation guidelines (Richards et al. 2015 PMID: 25741868, with internal and published modifications).

NM_031157.4(HNRNPA1):c.583+5G>C

Gene: HNRNPA1 (heterogeneous nuclear ribonucleoprotein A1; plus strand). Cytogenetic location: 12q13.13.
Variant type: single nucleotide variant.
Coding change: c.583+5G>C on transcript NM_031157.4 (MANE Select); 5 bases into the intron after coding-DNA position 583, G replaced by C.
Molecular consequence: intron variant.
Genome position (GRCh38, 1-based): chr12:54,282,491, G>C. VCF-style: chr12-54282491-G-C. GRCh37 (hg19) VCF-style: chr12-54676275-G-C.
Other names: c.583+5G>C (NM_002136.4, NM_031157.3).
Identifiers: ClinVar variation 3026538 (VCV003026538.22), dbSNP rs1944189666, ClinGen allele CA480003332.